The following is an entry in ClinVar:

ClinVar aggregate classification (germline): Uncertain significance (1 of 4 stars; one submission).

Conditions:
Genitopatellar syndrome (GTPTS). Also called: Genitopatellar syndrome (GPS); ABSENT PATELLAE, SCROTAL HYPOPLASIA, RENAL ANOMALIES, FACIAL DYSMORPHISM, AND MENTAL RETARDATION. Identifiers: Orphanet 85201, MedGen C1853566, MONDO:0011640, OMIM 606170.

Submission:

Labcorp Genetics (formerly Invitae), Labcorp
Classification: Uncertain significance for Genitopatellar syndrome. Last evaluated: 2024-12-28. Review status: criteria provided, single submitter. Criteria: Invitae Variant Classification Sherloc (09022015). Collection method: clinical testing. Allele origin: germline.
Comment: This sequence change replaces glycine, which is neutral and non-polar, with alanine, which is neutral and non-polar, at codon 589 of the KAT6B protein (p.Gly589Ala). This variant is not present in population databases (gnomAD no frequency). This variant has not been reported in the literature in individuals affected with KAT6B-related conditions. An algorithm developed to predict the effect of missense changes on protein structure and function (PolyPhen-2) suggests that this variant is likely to be tolerated. In summary, the available evidence is currently insufficient to determine the role of this variant in disease. Therefore, it has been classified as a Variant of Uncertain Significance.

NM_012330.4(KAT6B):c.1766G>C (p.Gly589Ala)

Gene: KAT6B (lysine acetyltransferase 6B; plus strand). Cytogenetic location: 10q22.2.
Variant type: single nucleotide variant.
Coding change: c.1766G>C on transcript NM_012330.4 (MANE Select); coding-DNA position 1766, G replaced by C.
Protein change: p.Gly589Ala; replaces glycine 589 with alanine.
Molecular consequence: missense variant. On other transcripts: intron variant (13).
Genome position (GRCh38, 1-based): chr10:74,976,103, G>C. VCF-style: chr10-74976103-G-C. GRCh37 (hg19) VCF-style: chr10-76735861-G-C.
Other names: c.1766G>C, p.Gly589Ala (NM_001370136.1, NM_001370137.1); c.1117+649G>C (NM_001370139.1, NM_001370140.1, NM_001370141.1 and 3 more transcripts); c.1444+322G>C (NM_001370138.1, NM_001256468.2); c.846+6328G>C (NM_001370133.1); c.193-3121G>C (NM_001370134.1); c.929-1213G>C (NM_001370143.1, NM_001370144.1); c.193-12916G>C (NM_001370135.1); short protein forms G589A.
Identifiers: ClinVar variation 3728192 (VCV003728192.2).